The following is an entry in ClinVar:

NM_001267550.2(TTN):c.61889C>T (p.Ala20630Val)

Genes: TTN (titin; minus strand), TTN-AS1 (TTN antisense RNA 1; plus strand). Cytogenetic location: 2q31.2.
Variant type: single nucleotide variant.
Coding change: c.61889C>T on transcript NM_001267550.2 (MANE Select); coding-DNA position 61889, C replaced by T.
Protein change: p.Ala20630Val; replaces alanine 20630 with valine.
Molecular consequence: missense variant.
Genome position (GRCh38, 1-based): chr2:178,589,836, G>A on the plus strand (C>T on the coding strand, the complement: TTN is on the minus strand). VCF-style: chr2-178589836-G-A. GRCh37 (hg19) VCF-style: chr2-179454563-G-A.
Other names: c.56966C>T, p.Ala18989Val (NM_001256850.1); c.34694C>T, p.Ala11565Val (NM_003319.4); c.54185C>T, p.Ala18062Val (NM_133378.4); c.35069C>T, p.Ala11690Val (NM_133432.3); c.35270C>T, p.Ala11757Val (NM_133437.4); short protein forms A11565V, A11690V, A11757V, A18062V, A18989V, A20630V.
Identifiers: ClinVar variation 1695755 (VCV001695755.2), dbSNP rs2154184048, ClinGen allele CA349467990.

ClinVar aggregate classification (germline): Uncertain significance (1 of 4 stars; one submission).

gnomAD v4.1: 1 of 1,613,472 alleles (0.000062%); highest among the groups gnomAD compares: Non-Finnish European, 0.000085%; no homozygotes.

Submission:

GeneDx
Classification: Uncertain significance. Last evaluated: 2022-01-07. Review status: criteria provided, single submitter. Criteria: GeneDx Variant Classification Process June 2021. Collection method: clinical testing. Allele origin: germline. Affected: yes.
Comment: Not observed at significant frequency in large population cohorts (gnomAD); Missense variant in a gene in which most reported pathogenic variants are truncating/loss-of-function; Has not been previously published as pathogenic or benign to our knowledge